The following is an entry in ClinVar:

NM_000443.4(ABCB4):c.139C>A (p.Arg47=)

Gene: ABCB4 (ATP binding cassette subfamily B member 4; minus strand). Cytogenetic location: 7q21.12.
Variant type: single nucleotide variant.
Coding change: c.139C>A on transcript NM_000443.4 (MANE Select); coding-DNA position 139, C replaced by A.
Protein change: p.Arg47=; no amino-acid change (arginine 47 retained).
Molecular consequence: synonymous variant.
Genome position (GRCh38, 1-based): chr7:87,462,905, G>T on the plus strand (C>A on the coding strand, the complement: ABCB4 is on the minus strand). VCF-style: chr7-87462905-G-T. GRCh37 (hg19) VCF-style: chr7-87092221-G-T.
Other names: c.139C>A, p.Arg47= (NM_018849.3, NM_018850.3).
Identifiers: ClinVar variation 3336420 (VCV003336420.1).

ClinVar aggregate classification (germline): Uncertain significance (1 of 4 stars; one submission).

Submission:

Women's Health and Genetics/Laboratory Corporation of America, LabCorp
Classification: Uncertain significance. Last evaluated: 2024-05-23. Review status: criteria provided, single submitter. Criteria: LabCorp Variant Classification Summary - May 2015. Collection method: clinical testing. Allele origin: germline.
Comment: Variant summary: ABCB4 c.139C>A alters a conserved nucleotide resulting in a synonymous change. Several computational tools predict a significant impact on normal splicing: Two predict the variant creates a cryptic 3' acceptor site. However, these predictions have yet to be confirmed by functional studies. The variant was absent in 250868 control chromosomes. The available data on variant occurrences in the general population are insufficient to allow any conclusion about variant significance. To our knowledge, no occurrence of c.139C>A in individuals affected with Familial Intrahepatic Cholestasis and no experimental evidence demonstrating its impact on protein function have been reported. No submitters have cited clinical-significance assessments for this variant to ClinVar. Based on the evidence outlined above, the variant was classified as uncertain significance.